The following is an entry in ClinVar:

NM_201596.3(CACNB2):c.280G>A (p.Ala94Thr)

Gene: CACNB2 (calcium voltage-gated channel auxiliary subunit beta 2; plus strand). Cytogenetic location: 10p12.31.
Variant type: single nucleotide variant.
Coding change: c.280G>A on transcript NM_201596.3 (MANE Select); coding-DNA position 280, G replaced by A.
Protein change: p.Ala94Thr; replaces alanine 94 with threonine.
Molecular consequence: missense variant.
Genome position (GRCh38, 1-based): chr10:18,401,990, G>A. VCF-style: chr10-18401990-G-A. GRCh37 (hg19) VCF-style: chr10-18690919-G-A.
Other names: c.115G>A, p.Ala39Thr (NM_000724.4, NM_001330060.2); c.196G>A, p.Ala66Thr (NM_001167945.2, NM_201571.4, NM_201572.4); c.136G>A, p.Ala46Thr (NM_001410882.1, NM_201570.3); c.118G>A, p.Ala40Thr (NM_201590.3); c.280G>A, p.Ala94Thr (NM_201593.3, NM_201597.3); short protein forms A39T, A40T, A46T, A66T, A94T.
Identifiers: ClinVar variation 4797666 (VCV004797666.1).
Genomic context (GRCh38, chr10:18,401,990, plus strand): 5'-GCAGACTCCTACACTAGCCGTCCATCCGATTCCGATGTATCTCTGGAGGAGGACCGGGAG[G>A]CAGTGCGCAGAGAAGCGGAGCGGCAGGCCCAGGCACAGTTGGAAAAAGCAAAGGTAAAAT-3'
Protein context (NP_963890.2, residues 84-104): SDVSLEEDRE[Ala94Thr]VRREAERQAQ

ClinVar aggregate classification (germline): Uncertain significance (1 of 4 stars; one submission).

Conditions:
Brugada syndrome 4 (BRGDA4). Identifiers: Orphanet 130, MedGen C2678477, MONDO:0012743, OMIM 611876.

gnomAD v4.1: 7 of 1,614,078 alleles (0.00043%); highest among the groups gnomAD compares: South Asian, 0.0077%; no homozygotes.

Submission:

Labcorp Genetics (formerly Invitae), Labcorp
Classification: Uncertain significance for Brugada syndrome 4. Last evaluated: 2025-06-24. Review status: criteria provided, single submitter. Criteria: Invitae Variant Classification Sherloc (09022015). Collection method: clinical testing. Allele origin: germline.
Comment: This sequence change replaces alanine, which is neutral and non-polar, with threonine, which is neutral and polar, at codon 40 of the CACNB2 protein (p.Ala40Thr). This variant is present in population databases (no rsID available, gnomAD 0.003%). This variant has not been reported in the literature in individuals affected with CACNB2-related conditions. Invitae Evidence Modeling of protein sequence and biophysical properties (such as structural, functional, and spatial information, amino acid conservation, physicochemical variation, residue mobility, and thermodynamic stability) indicates that this missense variant is not expected to disrupt CACNB2 protein function with a negative predictive value of 80%. In summary, the available evidence is currently insufficient to determine the role of this variant in disease. Therefore, it has been classified as a Variant of Uncertain Significance.